The following is an entry in ClinVar:

ClinVar aggregate classification (germline): Likely pathogenic (1 of 4 stars; one submission).

Conditions:
3-methylglutaconic aciduria type 5. Also called: MGA, TYPE V; 3 alpha methylglutaconic aciduria type V; MGA 5; CARDIOMYOPATHY, DILATED, WITH ATAXIA. Identifiers: Orphanet 66634, MedGen C1857776, MONDO:0012435, OMIM 610198.

Submission:

Juno Genomics, Hangzhou Juno Genomics, Inc
Classification: Likely pathogenic for 3-methylglutaconic aciduria type 5. Review status: criteria provided, single submitter. Criteria: ACMG Guidelines, 2015. Collection method: clinical testing. Allele origin: germline.
Comment: Absent from controls (or at extremely low frequency if recessive) in Genome Aggregation Database.;Null variant in a gene where loss of function (LOF) is a known mechanism of disease.

NM_145261.4(DNAJC19):c.7_8del (p.Ser3fs)

Gene: DNAJC19 (DnaJ heat shock protein family (Hsp40) member C19; minus strand). Cytogenetic location: 3q26.33.
Variant type: Deletion.
Coding change: c.7_8del on transcript NM_145261.4 (MANE Select); coding-DNA positions 7 to 8, 2 bases deleted (AG; older notation c.7_8delAG).
Protein change: p.Ser3fs; shifts the reading frame from serine 3.
Molecular consequence: frameshift variant. On other transcripts: 5 prime UTR variant (1), non-coding transcript variant (2).
Genome position (GRCh38, 1-based): chr3:180,988,225-180,988,226, CT deleted on the plus strand (AG on the coding strand, the reverse complement: DNAJC19 is on the minus strand). VCF-style (leftmost placement, unchanged base first): chr3-180988224-ACT-A. GRCh37 (hg19) VCF-style: chr3-180706012-ACT-A.
Other names: c.-69_-68del (NM_001190233.2); short protein forms S3fs.
Identifiers: ClinVar variation 5019101 (VCV005019101.2).
Genomic context (GRCh38, chr3:180,988,224, plus strand): 5'-AACCATAAACAAACCTGCAAATCCTGCAGCAGCAATGGTCAGTCCAACTGCTACCACTGT[ACT>A]GGCCTGGTAAGGGGGAGAAGAGTAAATATTTACTTCTCTAATTCCCACCCTTTCTCATTT-3'